The following is an entry in ClinVar:

ClinVar aggregate classification (germline): Uncertain significance. Review status: criteria provided, multiple submitters, no conflicts (2 of 4 stars). 2 submissions from 2 submitters: Uncertain significance (2). Last evaluated 2025-05-11.

Conditions:
Autosomal dominant nonsyndromic hearing loss 1. Also called: KONIGSMARK SYNDROME; DEAFNESS, AUTOSOMAL DOMINANT 1, WITH OR WITHOUT THROMBOCYTOPENIA. Identifiers: Orphanet 90635, MedGen C1852282, MONDO:0007424, OMIM 124900.
Progressive microcephaly-seizures-cortical blindness-developmental delay syndrome. Also called: Seizures, cortical blindness, and microcephaly syndrome. Identifiers: Orphanet 477814, MedGen C5567650, MONDO:0014714, OMIM 616632.

gnomAD v4.1: 3 of 1,614,098 alleles (0.00019%); highest among the groups gnomAD compares: Non-Finnish European, 0.00025%; no homozygotes.

Submissions (2):

Labcorp Genetics (formerly Invitae), Labcorp
Classification: Uncertain significance for Progressive microcephaly-seizures-cortical blindness-developmental delay syndrome; Autosomal dominant nonsyndromic hearing loss 1. Last evaluated: 2025-05-11. Review status: criteria provided, single submitter. Criteria: Invitae Variant Classification Sherloc (09022015). Collection method: clinical testing. Allele origin: germline.
Comment: This sequence change replaces glutamic acid, which is acidic and polar, with glutamine, which is neutral and polar, at codon 506 of the DIAPH1 protein (p.Glu506Gln). This variant is present in population databases (no rsID available, gnomAD 0.0009%). This variant has not been reported in the literature in individuals affected with DIAPH1-related conditions. Experimental studies and prediction algorithms are not available or were not evaluated, and the functional significance of this variant is currently unknown. In summary, the available evidence is currently insufficient to determine the role of this variant in disease. Therefore, it has been classified as a Variant of Uncertain Significance.

Blueprint Genetics
Classification: Uncertain significance. Last evaluated: 2020-11-13. Review status: criteria provided, single submitter. Criteria: ACMG Guidelines, 2015. Collection method: clinical testing. Allele origin: germline.

NM_005219.5(DIAPH1):c.1516G>C (p.Glu506Gln)

Gene: DIAPH1 (diaphanous related formin 1; minus strand). Cytogenetic location: 5q31.3.
Variant type: single nucleotide variant.
Coding change: c.1516G>C on transcript NM_005219.5 (MANE Select); coding-DNA position 1516, G replaced by C.
Protein change: p.Glu506Gln; replaces glutamic acid 506 with glutamine.
Molecular consequence: missense variant.
Genome position (GRCh38, 1-based): chr5:141,575,092, C>G on the plus strand (G>C on the coding strand, the complement: DIAPH1 is on the minus strand). VCF-style: chr5-141575092-C-G. GRCh37 (hg19) VCF-style: chr5-140954659-C-G.
Other names: c.1489G>C, p.Glu497Gln (NM_001079812.3); c.1516G>C, p.Glu506Gln (NM_001314007.2); short protein forms E497Q, E506Q.
Identifiers: ClinVar variation 4783057 (VCV004783057.2).